The following is an entry in ClinVar:

NM_000038.6(APC):c.4663A>G (p.Lys1555Glu)

Gene: APC (APC regulator of Wnt signaling pathway; plus strand). Cytogenetic location: 5q22.2.
Variant type: single nucleotide variant.
Coding change: c.4663A>G on transcript NM_000038.6 (MANE Select); coding-DNA position 4663, A replaced by G.
Protein change: p.Lys1555Glu; replaces lysine 1555 with glutamic acid.
Molecular consequence: missense variant.
Genome position (GRCh38, 1-based): chr5:112,840,257, A>G. VCF-style: chr5-112840257-A-G. GRCh37 (hg19) VCF-style: chr5-112175954-A-G.
Other names: c.4663A>G, p.Lys1555Glu (NM_001127510.3, NM_001354895.2); c.4609A>G, p.Lys1537Glu (NM_001127511.3); c.4717A>G, p.Lys1573Glu (NM_001354896.2); c.4693A>G, p.Lys1565Glu (NM_001354897.2); c.4588A>G, p.Lys1530Glu (NM_001354898.2); c.4579A>G, p.Lys1527Glu (NM_001354899.2); c.4540A>G, p.Lys1514Glu (NM_001354900.2); c.4486A>G, p.Lys1496Glu (NM_001354901.2); and 5 more; short protein forms K1272E, K1429E, K1454E, K1514E, K1395E, K1537E, K1555E, K1565E.
Identifiers: ClinVar variation 1035875 (VCV001035875.10), dbSNP rs1305519527, ClinGen allele CA16031554.

ClinVar aggregate classification (germline): Uncertain significance (1 of 4 stars; one submission).

Conditions:
Familial adenomatous polyposis 1 (FAP1). Also called: FAMILIAL ADENOMATOUS POLYPOSIS 1, ATTENUATED; POLYPOSIS, ADENOMATOUS INTESTINAL. Identifiers: MedGen C2713442, MONDO:0021056, OMIM 175100. Disease mechanism: loss of function.

Submission:

Labcorp Genetics (formerly Invitae), Labcorp
Classification: Uncertain significance for Familial adenomatous polyposis 1. Last evaluated: 2024-03-25. Review status: criteria provided, single submitter. Criteria: Invitae Variant Classification Sherloc (09022015). Collection method: clinical testing. Allele origin: germline.
Comment: This sequence change replaces lysine, which is basic and polar, with glutamic acid, which is acidic and polar, at codon 1555 of the APC protein (p.Lys1555Glu). This variant is not present in population databases (gnomAD no frequency). This variant has not been reported in the literature in individuals affected with APC-related conditions. ClinVar contains an entry for this variant (Variation ID: 1035875). Advanced modeling of protein sequence and biophysical properties (such as structural, functional, and spatial information, amino acid conservation, physicochemical variation, residue mobility, and thermodynamic stability) performed at Invitae indicates that this missense variant is not expected to disrupt APC protein function with a negative predictive value of 95%. In summary, the available evidence is currently insufficient to determine the role of this variant in disease. Therefore, it has been classified as a Variant of Uncertain Significance.